The following is an entry in ClinVar:

NM_139318.5(KCNH5):c.643A>T (p.Thr215Ser)

Gene: KCNH5 (potassium voltage-gated channel subfamily H member 5; minus strand). Cytogenetic location: 14q23.2.
Variant type: single nucleotide variant.
Coding change: c.643A>T on transcript NM_139318.5 (MANE Select); coding-DNA position 643, A replaced by T.
Protein change: p.Thr215Ser; replaces threonine 215 with serine.
Molecular consequence: missense variant.
Genome position (GRCh38, 1-based): chr14:62,981,171, T>A on the plus strand (A>T on the coding strand, the complement: KCNH5 is on the minus strand). VCF-style: chr14-62981171-T-A. GRCh37 (hg19) VCF-style: chr14-63447889-T-A.
Other names: c.643A>T, p.Thr215Ser (NM_172375.3); short protein forms T215S.
Identifiers: ClinVar variation 3654367 (VCV003654367.2).

ClinVar aggregate classification (germline): Uncertain significance (1 of 4 stars; one submission).

Conditions:
Early-infantile DEE. Also called: Ohtahara syndrome; Early infantile epileptic encephalopathy; Early infantile epileptic encephalopathy with suppression bursts. Identifiers: Orphanet 1934, MedGen C0393706, MONDO:0800491.

Submission:

Labcorp Genetics (formerly Invitae), Labcorp
Classification: Uncertain significance for Early-infantile DEE. Last evaluated: 2024-05-31. Review status: criteria provided, single submitter. Criteria: Invitae Variant Classification Sherloc (09022015). Collection method: clinical testing. Allele origin: germline.
Comment: This sequence change replaces threonine, which is neutral and polar, with serine, which is neutral and polar, at codon 215 of the KCNH5 protein (p.Thr215Ser). This variant is not present in population databases (gnomAD no frequency). This variant has not been reported in the literature in individuals affected with KCNH5-related conditions. Advanced modeling of protein sequence and biophysical properties (such as structural, functional, and spatial information, amino acid conservation, physicochemical variation, residue mobility, and thermodynamic stability) performed at Invitae indicates that this missense variant is not expected to disrupt KCNH5 protein function with a negative predictive value of 80%. In summary, the available evidence is currently insufficient to determine the role of this variant in disease. Therefore, it has been classified as a Variant of Uncertain Significance.